The following is an entry in ClinVar:

ClinVar aggregate classification (germline): Uncertain significance. Review status: criteria provided, multiple submitters, no conflicts (2 of 4 stars). 5 submissions from 5 submitters: Uncertain significance (5). Last evaluated 2024-10-31.

Conditions:
Inborn genetic diseases. Identifiers: MedGen C0950123, MeSH D030342.
Microcephaly 5, primary, autosomal recessive (MCPH5). Also called: ASPM Primary Microcephaly. Identifiers: Orphanet 2512, MedGen C1837501, MONDO:0012106, OMIM 608716.

Allele frequency attached by ClinVar (database versions not stated): gnomAD exomes 0.00002 and 0.00005; ExAC 0.00003; gnomAD 0.00004; TOPMed 0.00006; ESP Exome Variant Server 0.00015.
gnomAD v4.1: 73 of 1,584,630 alleles (0.0046%); highest among the groups gnomAD compares: African/African-American, 0.0082%; no homozygotes.

Submissions (5):

GeneDx
Classification: Uncertain significance. Last evaluated: 2024-10-31. Review status: criteria provided, single submitter. Criteria: GeneDx Variant Classification Process June 2021. Collection method: clinical testing. Allele origin: germline. Affected: yes.
Comment: In silico analysis supports that this missense variant has a deleterious effect on protein structure/function; Has not been previously published as pathogenic or benign to our knowledge

Genome-Nilou Lab
Classification: Uncertain significance for Microcephaly 5, primary, autosomal recessive. Last evaluated: 2023-04-11. Review status: criteria provided, single submitter. Criteria: ACMG Guidelines, 2015. Collection method: clinical testing. Allele origin: germline. Affected: no.

Ambry Genetics
Classification: Uncertain significance for Inborn genetic diseases. Last evaluated: 2023-03-07. Review status: criteria provided, single submitter. Criteria: Ambry Variant Classification Scheme 2023. Collection method: clinical testing. Allele origin: germline.

Baylor Genetics
Classification: Uncertain significance for Microcephaly 5, primary, autosomal recessive. Last evaluated: 2018-05-18. Review status: criteria provided, single submitter. Criteria: ACMG Guidelines, 2015. Collection method: clinical testing. Allele origin: unknown. Affected: yes.
Comment: This variant was determined to be of uncertain significance according to ACMG Guidelines, 2015 [PMID:25741868].

Illumina Laboratory Services, Illumina
Classification: Uncertain significance for Microcephaly 5, primary, autosomal recessive. Last evaluated: 2018-01-13. Review status: criteria provided, single submitter. Criteria: ICSL Variant Classification Criteria 13 December 2019. Collection method: clinical testing. Allele origin: germline.

NM_018136.5(ASPM):c.4457A>G (p.Tyr1486Cys)

Gene: ASPM (assembly factor for spindle microtubules; minus strand). Cytogenetic location: 1q31.3.
Variant type: single nucleotide variant.
Coding change: c.4457A>G on transcript NM_018136.5 (MANE Select); coding-DNA position 4457, A replaced by G.
Protein change: p.Tyr1486Cys; replaces tyrosine 1486 with cysteine.
Molecular consequence: missense variant. On other transcripts: intron variant (1).
Genome position (GRCh38, 1-based): chr1:197,104,794, T>C on the plus strand (A>G on the coding strand, the complement: ASPM is on the minus strand). VCF-style: chr1-197104794-T-C. GRCh37 (hg19) VCF-style: chr1-197073924-T-C.
Other names: c.4066-8630A>G (NM_001206846.2); short protein forms Y1486C.
Identifiers: ClinVar variation 294630 (VCV000294630.10), dbSNP rs368020945, ClinGen allele CA1309925.